The following is an entry in ClinVar:

NM_022168.4(IFIH1):c.2777T>C (p.Met926Thr)

Gene: IFIH1 (interferon induced with helicase C domain 1; minus strand). Cytogenetic location: 2q24.2.
Variant type: single nucleotide variant.
Coding change: c.2777T>C on transcript NM_022168.4 (MANE Select); coding-DNA position 2777, T replaced by C.
Protein change: p.Met926Thr; replaces methionine 926 with threonine.
Molecular consequence: missense variant.
Genome position (GRCh38, 1-based): chr2:162,268,117, A>G on the plus strand (T>C on the coding strand, the complement: IFIH1 is on the minus strand). VCF-style: chr2-162268117-A-G. GRCh37 (hg19) VCF-style: chr2-163124627-A-G.
Other names: short protein forms M926T.
Identifiers: ClinVar variation 2085899 (VCV002085899.4), dbSNP rs1368052936, ClinGen allele CA348990693.

ClinVar aggregate classification (germline): Uncertain significance (1 of 4 stars; one submission).

Conditions:
Singleton-Merten syndrome 1 (SGMRT1). Also called: Widened medullary cavities of bone, aortic calcification, abnormal dentition, and muscular weakness; Syndrome of widened medullary cavities of the metacarpals and phalanges, aortic calcification and abnormal dentition. Identifiers: Orphanet 85191, MedGen C4225427, MONDO:0024535, OMIM 182250.
Aicardi-Goutieres syndrome 7 (AGS7). Identifiers: Orphanet 51, MedGen C3888244, MONDO:0014367, OMIM 615846.

Allele frequency attached by ClinVar (database versions not stated): gnomAD exomes below 0.00001.
gnomAD v4.1: 2 of 1,607,180 alleles (0.00012%); highest among the groups gnomAD compares: Non-Finnish European, 0.00017%; no homozygotes.

Submission:

Labcorp Genetics (formerly Invitae), Labcorp
Classification: Uncertain significance for Aicardi-Goutieres syndrome 7; Singleton-Merten syndrome 1. Last evaluated: 2022-07-03. Review status: criteria provided, single submitter. Criteria: Invitae Variant Classification Sherloc (09022015). Collection method: clinical testing. Allele origin: germline.
Comment: Algorithms developed to predict the effect of missense changes on protein structure and function are either unavailable or do not agree on the potential impact of this missense change (SIFT: "Tolerated"; PolyPhen-2: "Probably Damaging"; Align-GVGD: "Class C0"). In summary, the available evidence is currently insufficient to determine the role of this variant in disease. Therefore, it has been classified as a Variant of Uncertain Significance. This variant has not been reported in the literature in individuals affected with IFIH1-related conditions. This variant is not present in population databases (gnomAD no frequency). This sequence change replaces methionine, which is neutral and non-polar, with threonine, which is neutral and polar, at codon 926 of the IFIH1 protein (p.Met926Thr).